The following is an entry in ClinVar:

ClinVar aggregate classification (germline): Pathogenic/Likely pathogenic. Review status: criteria provided, multiple submitters, no conflicts (2 of 4 stars). 7 submissions from 7 submitters: Pathogenic (5); Likely pathogenic (2). Last evaluated 2025-11-21.

Conditions:
Hereditary cancer-predisposing syndrome. Also called: Neoplastic Syndromes, Hereditary; Hereditary Cancer Syndrome; Tumor predisposition; Hereditary neoplastic syndrome. Identifiers: Orphanet 140162, MedGen C0027672, MeSH D009386, MONDO:0015356.
Familial adenomatous polyposis 2. Also called: MUTYH-associated polyposis; MUTYH Polyposis; FAP type 2; Adenomas, multiple colorectal; COLORECTAL ADENOMATOUS POLYPOSIS, AUTOSOMAL RECESSIVE; ADENOMAS, MULTIPLE COLORECTAL, AUTOSOMAL RECESSIVE. Identifiers: Orphanet 220460, Orphanet 247798, MedGen C3272841, MONDO:0012041, OMIM 608456.

Allele frequency attached by ClinVar (database versions not stated): TOPMed 0.00001.

Submissions (7):

Labcorp Genetics (formerly Invitae), Labcorp
Classification: Pathogenic for Familial adenomatous polyposis 2. Last evaluated: 2025-11-21. Review status: criteria provided, single submitter. Criteria: Invitae Variant Classification Sherloc (09022015). Collection method: clinical testing. Allele origin: germline.
Comment: This sequence change creates a premature translational stop signal (p.Trp131*) in the MUTYH gene. It is expected to result in an absent or disrupted protein product. Loss-of-function variants in MUTYH are known to be pathogenic (PMID: 18534194, 20663686). This variant is not present in population databases (gnomAD no frequency). This variant has not been reported in the literature in individuals affected with MUTYH-related conditions. ClinVar contains an entry for this variant (Variation ID: 140811). For these reasons, this variant has been classified as Pathogenic.

Color Diagnostics, LLC DBA Color Health
Classification: Pathogenic for Hereditary cancer-predisposing syndrome. Last evaluated: 2025-10-21. Review status: criteria provided, single submitter. Criteria: ACMG Guidelines, 2015. Collection method: clinical testing. Allele origin: germline.
Comment: This variant changes 1 nucleotide in exon 5 of the MUTYH gene, creating a premature translation stop signal. This variant is expected to result in an absent or non-functional protein product. This variant has not been identified in the general population by the Genome Aggregation Database (gnomAD). Loss of MUTYH function is a known mechanism of disease. Based on the available evidence, this variant is classified as Pathogenic.

Ambry Genetics
Classification: Pathogenic for Hereditary cancer-predisposing syndrome. Last evaluated: 2024-06-10. Review status: criteria provided, single submitter. Criteria: Ambry Variant Classification Scheme 2023. Collection method: clinical testing. Allele origin: germline.
Comment: The p.W131* pathogenic mutation (also known as c.393G>A), located in coding exon 5 of the MUTYH gene, results from a G to A substitution at nucleotide position 393. This changes the amino acid from a tryptophan to a stop codon within coding exon 5. This pathogenic mutation was identified in a proband who underwent hereditary cancer multigene panel testing (LaDuca H et al. Genet. Med. 2014 Nov;16:830-7; LaDuca H et al. PLoS ONE 2017 Feb;12:e0170843). This variant is considered to be rare based on population cohorts in the Genome Aggregation Database (gnomAD). In addition to the clinical data presented in the literature, this alteration is expected to result in loss of function by premature protein truncation or nonsense-mediated mRNA decay. As such, this alteration is interpreted as a disease-causing mutation.

Department of Pathology and Laboratory Medicine, Sinai Health System
Classification: Pathogenic for Familial adenomatous polyposis 2. Last evaluated: 2022-09-14. Review status: criteria provided, single submitter. Criteria: ACMG Guidelines, 2015. Collection method: clinical testing. Allele origin: germline. Affected: yes.

Sema4
Classification: Likely pathogenic for Hereditary cancer-predisposing syndrome. Last evaluated: 2021-03-04. Review status: criteria provided, single submitter. Criteria: Sema4 Curation Guidelines. Collection method: curation. Allele origin: germline.
Comment: To the best of our knowledge, the MUTYH c.393G>A (p.W131X) has not been reported in individuals with MUTYH-Associated Polyposis, however it has been reported in at least 1 individual undergoing multigene panel testing for hereditary cancer (PMID: 24763289). This nonsense variant creates a premature stop codon at residue 131 of the MUTYH protein. At this location, this is predicted to cause nonsense-mediated decay and result in an absent protein (loss of function). This variant is not reported in the population database Genome Aggregation Database (PMID: 32461654). Based on the current evidence available, this variant is interpreted as likely pathogenic.

Women's Health and Genetics/Laboratory Corporation of America, LabCorp
Classification: Likely pathogenic for MUTYH-associated polyposis. Last evaluated: 2017-09-15. Review status: criteria provided, single submitter. Criteria: LabCorp Variant Classification Summary - May 2015. Collection method: clinical testing. Allele origin: germline.
Comment: Variant summary: The MUTYH c.393G>A (p.Trp131X) variant is a nonsense change that results in the loss of the ~419 amino acids of MUTYH protein (~75%). This change is predicted to cause loss of normal protein function through protein truncation or nonsense-mediated mRNA decay. Truncations downstream of this position have been classified as pathogenic by our laboratory (e.g. c.508delG, p.Val170X; c.1147delC, p.Ala385fsX23; c.1227_1228dupGG, p.Glu410fsX43). One in silico tool predicts a damaging outcome for this variant. The variant is absent from the large control population datasets of ExAC and gnomAD (~25184 and 246196 chrs tested, respectively). This variant has been reported in at least one affected individuals via a published report (LaDuca_2014). In addition, one clinical diagnostic laboratory classified this variant as pathogenic. Taken together, this variant is classified as likely pathogenic.

GeneDx
Classification: Pathogenic. Last evaluated: 2017-06-26. Review status: criteria provided, single submitter. Criteria: GeneDx Variant Classification (06012015). Collection method: clinical testing. Allele origin: germline. Affected: yes.
Comment: This pathogenic variant is denoted MUTYH c.393G>A at the cDNA level and p.Trp131Ter (W131X) atthe protein level. The substitution creates a nonsense variant, which changes a Tryptophan to a premature stop codon(TGG>TGA), and is predicted to cause loss of normal protein function through either protein truncation or nonsense-mediated mRNA decay. This variant has been reported in at least one individual referred for clinical testing for inheritedcancer (LaDuca 2014). We consider it to be pathogenic

Literature cited by the submitters: PubMed 18534194 (cited by Labcorp Genetics (formerly Invitae), Labcorp); PubMed 20663686 (cited by Labcorp Genetics (formerly Invitae), Labcorp); PubMed 24763289 (cited by 4 submitters); PubMed 28152038 (cited by Ambry Genetics).

NM_001048174.2(MUTYH):c.309G>A (p.Trp103Ter)

Gene: MUTYH (mutY DNA glycosylase; minus strand). Cytogenetic location: 1p34.1.
Variant type: single nucleotide variant.
Coding change: c.309G>A on transcript NM_001048174.2 (MANE Select); coding-DNA position 309, G replaced by A.
Protein change: p.Trp103Ter; replaces tryptophan 103 with a stop codon.
Molecular consequence: nonsense. On other transcripts: non-coding transcript variant (1), intron variant (2).
Genome position (GRCh38, 1-based): chr1:45,333,166, C>T on the plus strand (G>A on the coding strand, the complement: MUTYH is on the minus strand). VCF-style: chr1-45333166-C-T. GRCh37 (hg19) VCF-style: chr1-45798838-C-T.
Other names: c.309G>A, p.Trp103Ter (NM_001048171.2, NM_001048173.2, NM_001293195.2); c.312G>A, p.Trp104Ter (NM_001048172.2); c.393G>A, p.Trp131Ter (NM_001128425.2); c.354G>A, p.Trp118Ter (NM_001293190.2); c.342G>A, p.Trp114Ter (NM_001293191.2); c.33G>A, p.Trp11Ter (NM_001293192.2, NM_001293196.2); c.384G>A, p.Trp128Ter (NM_012222.3); c.33+119G>A (NM_001350651.2, NM_001350650.2); short protein forms W131*, W104*, W118*, W114*, W128*, W103*, W11*.
Identifiers: ClinVar variation 140811 (VCV000140811.22), dbSNP rs587781295, ClinGen allele CA013516.
Genomic context (GRCh38, chr1:45,333,166, plus strand): 5'-TCCGGTATAGTAGTTGATCACAGTGGCAACCTGGGTCTGCTGCAGCATGACCTCTGAGAC[C>T]CACACTGGGGGAAAGGGGTTGGCATGAGGACACTGCTGACCTGCCCCTACCTGGCCCACA-3'